The following is an entry in ClinVar:

ClinVar aggregate classification (germline): Likely benign (1 of 4 stars; one submission).

Conditions:
Primary familial hypertrophic cardiomyopathy (HCM). Identifiers: Orphanet 99739, MedGen C0949658, MeSH D024741, MONDO:0024573. Inheritance: Various modes of inheritance.

Submission:

Women's Health and Genetics/Laboratory Corporation of America, LabCorp
Classification: Likely benign for Hypertrophic Cardiomyopathy. Last evaluated: 2011-08-18. Review status: criteria provided, single submitter. Criteria: LabCorp Variant Classification Summary - May 2015. Collection method: curation, clinical testing. Allele origin: germline. Inheritance: autosomal unknown. Affected: yes.
ClinVar note: Converted during submission from likely benign to Likely benign.

NM_000432.4(MYL2):c.353+33C>G

Gene: MYL2 (myosin light chain 2; minus strand). Cytogenetic location: 12q24.11.
Variant type: single nucleotide variant.
Coding change: c.353+33C>G on transcript NM_000432.4 (MANE Select); 33 bases into the intron after coding-DNA position 353, C replaced by G.
Molecular consequence: intron variant.
Genome position (GRCh38, 1-based): chr12:110,913,213, G>C on the plus strand (C>G on the coding strand, the complement: MYL2 is on the minus strand). VCF-style: chr12-110913213-G-C. GRCh37 (hg19) VCF-style: chr12-111351017-G-C.
Identifiers: ClinVar variation 36644 (VCV000036644.4), dbSNP rs193922453, ClinGen allele CA010157.